The following is an entry in ClinVar:

ClinVar aggregate classification (germline): Uncertain significance. Review status: criteria provided, multiple submitters, no conflicts (2 of 4 stars). 2 submissions from 2 submitters: Uncertain significance (2). Last evaluated 2025-09-02.

Conditions:
Van Maldergem syndrome 2 (VMLDS2). Identifiers: Orphanet 314679, MedGen C3809875, MONDO:0014242, OMIM 615546.
Hennekam lymphangiectasia-lymphedema syndrome 2 (HKLLS2). Identifiers: Orphanet 2136, MedGen C4014939, MONDO:0014454, OMIM 616006.

Allele frequency attached by ClinVar (database versions not stated): gnomAD exomes 0.00001 and 0.00002; TOPMed 0.00001; ExAC 0.00002; gnomAD 0.00002 and 0.00003.

Submissions (2):

Labcorp Genetics (formerly Invitae), Labcorp
Classification: Uncertain significance. Last evaluated: 2025-09-02. Review status: criteria provided, single submitter. Criteria: Invitae Variant Classification Sherloc (09022015). Collection method: clinical testing. Allele origin: germline.
Comment: This sequence change replaces serine, which is neutral and polar, with arginine, which is basic and polar, at codon 794 of the FAT4 protein (p.Ser794Arg). This variant is present in population databases (rs746206634, gnomAD 0.003%). This variant has not been reported in the literature in individuals affected with FAT4-related conditions. ClinVar contains an entry for this variant (Variation ID: 1485030). Invitae Evidence Modeling of protein sequence and biophysical properties (such as structural, functional, and spatial information, amino acid conservation, physicochemical variation, residue mobility, and thermodynamic stability) indicates that this missense variant is not expected to disrupt FAT4 protein function with a negative predictive value of 80%. In summary, the available evidence is currently insufficient to determine the role of this variant in disease. Therefore, it has been classified as a Variant of Uncertain Significance.

Fulgent Genetics
Classification: Uncertain significance for Van Maldergem syndrome 2; Hennekam lymphangiectasia-lymphedema syndrome 2. Last evaluated: 2024-01-20. Review status: criteria provided, single submitter. Criteria: ACMG Guidelines, 2015. Collection method: clinical testing. Allele origin: germline.

NM_001291303.3(FAT4):c.2382T>G (p.Ser794Arg)

Gene: FAT4 (FAT atypical cadherin 4; plus strand). Cytogenetic location: 4q28.1.
Variant type: single nucleotide variant.
Coding change: c.2382T>G on transcript NM_001291303.3 (MANE Select); coding-DNA position 2382, T replaced by G.
Protein change: p.Ser794Arg; replaces serine 794 with arginine.
Molecular consequence: missense variant.
Genome position (GRCh38, 1-based): chr4:125,318,793, T>G. VCF-style: chr4-125318793-T-G. GRCh37 (hg19) VCF-style: chr4-126239948-T-G.
Other names: c.2382T>G, p.Ser794Arg (NM_001291285.3, NM_024582.6); c.2382T>G (NM_024582.5); short protein forms S794R.
Identifiers: ClinVar variation 1485030 (VCV001485030.7), dbSNP rs746206634, ClinGen allele CA3072159.